The following is an entry in ClinVar:

NM_152515.5(CKAP2L):c.637T>C (p.Ser213Pro)

Gene: CKAP2L (cytoskeleton associated protein 2 like; minus strand). Cytogenetic location: 2q14.1.
Variant type: single nucleotide variant.
Coding change: c.637T>C on transcript NM_152515.5 (MANE Select); coding-DNA position 637, T replaced by C.
Protein change: p.Ser213Pro; replaces serine 213 with proline.
Molecular consequence: missense variant.
Genome position (GRCh38, 1-based): chr2:112,756,734, A>G on the plus strand (T>C on the coding strand, the complement: CKAP2L is on the minus strand). VCF-style: chr2-112756734-A-G. GRCh37 (hg19) VCF-style: chr2-113514311-A-G.
Other names: c.142T>C, p.Ser48Pro (NM_001304361.2); short protein forms S213P, S48P.
Identifiers: ClinVar variation 3054735 (VCV003054735.2), dbSNP rs767835982, ClinGen allele CA1836815.
Genomic context (GRCh38, chr2:112,756,734, plus strand): 5'-TAACTGAACTTTTGCCCAAGGCTTGTTTAGGAACTAAACTGTTCTTGGTTTGATTATAAG[A>G]GTCAGTCTTTGGCTTACTTCTGGTATATAATTTAGGATCTGGCTTCCTCTCAGGTTCTGT-3'
Protein context (NP_689728.3, residues 203-223): LYTRSKPKTD[Ser213Pro]YNQTKNSLVP

ClinVar aggregate classification (germline): Likely benign (0 of 4 stars; one submission).

Conditions:
CKAP2L-related disorder. Also called: CKAP2L-related condition.

Allele frequency attached by ClinVar (database versions not stated): gnomAD exomes 0.00002; gnomAD 0.00004; ExAC 0.00012; TOPMed 0.00012.
gnomAD v4.1: 44 of 1,597,220 alleles (0.0028%); highest among the groups gnomAD compares: East Asian, 0.08%; no homozygotes.

Submission:

PreventionGenetics, part of Exact Sciences
Classification: Likely benign for CKAP2L-related condition. Last evaluated: 2023-05-03. Review status: no assertion criteria provided. Collection method: clinical testing. Allele origin: germline.
Comment: This variant is classified as likely benign based on ACMG/AMP sequence variant interpretation guidelines (Richards et al. 2015 PMID: 25741868, with internal and published modifications).